The following is an entry in ClinVar:

ClinVar aggregate classification (germline): Likely benign. Review status: criteria provided, multiple submitters, no conflicts (2 of 4 stars). 4 submissions from 4 submitters: Likely benign (4). Last evaluated 2026-01-17.

Conditions:
Arterial tortuosity syndrome (ATORS). Identifiers: Orphanet 3342, MedGen C1859726, MONDO:0008818, OMIM 208050.
SLC2A10-related disorder. Also called: SLC2A10-related condition.
Familial thoracic aortic aneurysm and aortic dissection (TAAD). Also called: Thoracic aortic aneurysms and dissections. Identifiers: Orphanet 91387, MedGen C4707243, MONDO:0019625.

Allele frequency attached by ClinVar (database versions not stated): gnomAD exomes 0.00003.
gnomAD v4.1: 24 of 1,613,966 alleles (0.0015%); highest among the groups gnomAD compares: Non-Finnish European, 0.002%; no homozygotes.

Submissions (4):

Labcorp Genetics (formerly Invitae), Labcorp
Classification: Likely benign for Arterial tortuosity syndrome. Last evaluated: 2026-01-17. Review status: criteria provided, single submitter. Criteria: Invitae Variant Classification Sherloc (09022015). Collection method: clinical testing. Allele origin: germline.

PreventionGenetics, part of Exact Sciences
Classification: Likely benign for SLC2A10-related condition. Last evaluated: 2025-09-24. Review status: criteria provided, single submitter. Criteria: ACMG Guidelines, 2015. Collection method: clinical testing. Allele origin: germline.
Comment: This variant is classified as likely benign based on ACMG/AMP sequence variant interpretation guidelines (Richards et al. 2015 PMID: 25741868, with internal and published modifications).

Ambry Genetics
Classification: Likely benign for Familial thoracic aortic aneurysm and aortic dissection. Last evaluated: 2023-05-06. Review status: criteria provided, single submitter. Criteria: Ambry Variant Classification Scheme 2023. Collection method: clinical testing. Allele origin: germline.

Women's Health and Genetics/Laboratory Corporation of America, LabCorp
Classification: Likely benign. Last evaluated: 2023-05-01. Review status: criteria provided, single submitter. Criteria: LabCorp Variant Classification Summary - May 2015. Collection method: clinical testing. Allele origin: germline.

NM_030777.4(SLC2A10):c.1513T>C (p.Leu505=)

Gene: SLC2A10 (solute carrier family 2 member 10; plus strand). Cytogenetic location: 20q13.12.
Variant type: single nucleotide variant.
Coding change: c.1513T>C on transcript NM_030777.4 (MANE Select); coding-DNA position 1513, T replaced by C.
Protein change: p.Leu505=; no amino-acid change (leucine 505 retained).
Molecular consequence: synonymous variant.
Genome position (GRCh38, 1-based): chr20:46,729,454, T>C. VCF-style: chr20-46729454-T-C. GRCh37 (hg19) VCF-style: chr20-45358093-T-C.
Identifiers: ClinVar variation 2506061 (VCV002506061.7), dbSNP rs2515599264, ClinGen allele CA510771563.
Genomic context (GRCh38, chr20:46,729,454, plus strand): 5'-ACCGCTGTCCTCGGCCTGGGCTTCATCTATTTATTTGTTCCTGAAACAAAAGGCCAGTCG[T>C]TGGCAGAGATAGACCAGCAGTTCCAGAAGAGACGGTAGGAAGCTGACAGGGTGGGTCTGG-3'
Protein context (NP_110404.1, residues 495-515): LFVPETKGQS[Leu505=]AEIDQQFQKR